The following is an entry in ClinVar:

NM_020937.4(FANCM):c.2342T>A (p.Val781Asp)

Gene: FANCM (FA complementation group M; plus strand). Cytogenetic location: 14q21.2.
Variant type: single nucleotide variant.
Coding change: c.2342T>A on transcript NM_020937.4 (MANE Select); coding-DNA position 2342, T replaced by A.
Protein change: p.Val781Asp; replaces valine 781 with aspartic acid.
Molecular consequence: missense variant.
Genome position (GRCh38, 1-based): chr14:45,175,096, T>A. VCF-style: chr14-45175096-T-A. GRCh37 (hg19) VCF-style: chr14-45644299-T-A.
Other names: c.2264T>A, p.Val755Asp (NM_001308133.2); short protein forms V755D, V781D.
Identifiers: ClinVar variation 2178042 (VCV002178042.5), dbSNP rs991804577, ClinGen allele CA259627616.

ClinVar aggregate classification (germline): Uncertain significance. Review status: criteria provided, multiple submitters, no conflicts (2 of 4 stars). 2 submissions from 2 submitters: Uncertain significance (2). Last evaluated 2025-05-23.

Conditions:
Inborn genetic diseases. Identifiers: MedGen C0950123, MeSH D030342.
Fanconi anemia (FA). Also called: Fanconi's anemia. Identifiers: Orphanet 84, MedGen C0015625, MeSH D005199, MONDO:0019391.

Submissions (2):

Ambry Genetics
Classification: Uncertain significance for Inborn genetic diseases. Last evaluated: 2025-05-23. Review status: criteria provided, single submitter. Criteria: Ambry Variant Classification Scheme 2023. Collection method: clinical testing. Allele origin: germline.
Comment: The p.V781D variant (also known as c.2342T>A), located in coding exon 14 of the FANCM gene, results from a T to A substitution at nucleotide position 2342. The valine at codon 781 is replaced by aspartic acid, an amino acid with highly dissimilar properties. This amino acid position is conserved. In addition, this alteration is predicted to be tolerated by in silico analysis. Based on the available evidence, the clinical significance of this variant remains unclear.

Labcorp Genetics (formerly Invitae), Labcorp
Classification: Uncertain significance for Fanconi anemia. Last evaluated: 2022-07-13. Review status: criteria provided, single submitter. Criteria: Invitae Variant Classification Sherloc (09022015). Collection method: clinical testing. Allele origin: germline.
Comment: Algorithms developed to predict the effect of missense changes on protein structure and function are either unavailable or do not agree on the potential impact of this missense change (SIFT: "Deleterious"; PolyPhen-2: "Benign"; Align-GVGD: "Class C0"). In summary, the available evidence is currently insufficient to determine the role of this variant in disease. Therefore, it has been classified as a Variant of Uncertain Significance. This variant has not been reported in the literature in individuals affected with FANCM-related conditions. This variant is not present in population databases (gnomAD no frequency). This sequence change replaces valine, which is neutral and non-polar, with aspartic acid, which is acidic and polar, at codon 781 of the FANCM protein (p.Val781Asp).